The following is an entry in ClinVar:

NM_017849.4(TMEM127):c.322C>G (p.Leu108Val)

Gene: TMEM127 (transmembrane protein 127; minus strand). Cytogenetic location: 2q11.2.
Variant type: single nucleotide variant.
Coding change: c.322C>G on transcript NM_017849.4 (MANE Select); coding-DNA position 322, C replaced by G.
Protein change: p.Leu108Val; replaces leucine 108 with valine.
Molecular consequence: missense variant.
Genome position (GRCh38, 1-based): chr2:96,254,920, G>C on the plus strand (C>G on the coding strand, the complement: TMEM127 is on the minus strand). VCF-style: chr2-96254920-G-C. GRCh37 (hg19) VCF-style: chr2-96920658-G-C.
Other names: c.322C>G, p.Leu108Val (NM_001193304.3); c.70C>G, p.Leu24Val (NM_001407282.1, NM_001407283.1); short protein forms L24V, L108V.
Identifiers: ClinVar variation 4185912 (VCV004185912.1).
Genomic context (GRCh38, chr2:96,254,920, plus strand): 5'-GACGAGTGATCTTCAGAGCAGGATGCTTCGGCCCAAAGACATCCAGAAGGAAAGCGGAGA[G>C]ACTACACAGGATGCCCAGGAAACAGAAGGCGGCGATGACCCGCAGGAGCAGCACTGTCTG-3'
Protein context (NP_060319.1, residues 98-118): AFCFLGILCS[Leu108Val]SAFLLDVFGP

ClinVar aggregate classification (germline): Uncertain significance (1 of 4 stars; one submission).

Conditions:
Hereditary cancer-predisposing syndrome. Also called: Neoplastic Syndromes, Hereditary; Tumor predisposition; Hereditary Cancer Syndrome; Hereditary neoplastic syndrome. Identifiers: Orphanet 140162, MedGen C0027672, MeSH D009386, MONDO:0015356.

Submission:

Ambry Genetics
Classification: Uncertain significance for Hereditary cancer-predisposing syndrome. Last evaluated: 2025-07-28. Review status: criteria provided, single submitter. Criteria: Ambry Variant Classification Scheme 2023. Collection method: clinical testing. Allele origin: germline.
Comment: The p.L108V variant (also known as c.322C>G), located in coding exon 2 of the TMEM127 gene, results from a C to G substitution at nucleotide position 322. The leucine at codon 108 is replaced by valine, an amino acid with highly similar properties. This amino acid position is conserved. In addition, the in silico prediction for this alteration is inconclusive. Based on the available evidence, the clinical significance of this variant remains unclear.